The following is an entry in ClinVar:

ClinVar aggregate classification (germline): Uncertain significance (1 of 4 stars; one submission).

Submission:

Labcorp Genetics (formerly Invitae), Labcorp
Classification: Uncertain significance. Last evaluated: 2025-09-30. Review status: criteria provided, single submitter. Criteria: Invitae Variant Classification Sherloc (09022015). Collection method: clinical testing. Allele origin: germline.
Comment: This sequence change replaces glycine, which is neutral and non-polar, with valine, which is neutral and non-polar, at codon 593 of the WNK4 protein (p.Gly593Val). This variant is not present in population databases (gnomAD no frequency). This variant has not been reported in the literature in individuals affected with WNK4-related conditions. Invitae Evidence Modeling of protein sequence and biophysical properties (such as structural, functional, and spatial information, amino acid conservation, physicochemical variation, residue mobility, and thermodynamic stability) indicates that this missense variant is not expected to disrupt WNK4 protein function with a negative predictive value of 95%. In summary, the available evidence is currently insufficient to determine the role of this variant in disease. Therefore, it has been classified as a Variant of Uncertain Significance.

NM_032387.5(WNK4):c.1778G>T (p.Gly593Val)

Gene: WNK4 (WNK lysine deficient protein kinase 4; plus strand). Cytogenetic location: 17q21.2.
Variant type: single nucleotide variant.
Coding change: c.1778G>T on transcript NM_032387.5 (MANE Select); coding-DNA position 1778, G replaced by T.
Protein change: p.Gly593Val; replaces glycine 593 with valine.
Molecular consequence: missense variant.
Genome position (GRCh38, 1-based): chr17:42,787,814, G>T. VCF-style: chr17-42787814-G-T. GRCh37 (hg19) VCF-style: chr17-40939832-G-T.
Other names: c.770G>T, p.Gly257Val (NM_001321299.2); short protein forms G593V, G257V.
Identifiers: ClinVar variation 4701588 (VCV004701588.1).
Genomic context (GRCh38, chr17:42,787,814, plus strand): 5'-TTGATCCTCTCCCTCCCCAACCAGCGGATTGCGAGACTGATGGCTACCTCAGCTCCTCCG[G>T]CTTCCTGGATGCCTCAGACCCTGCCCTTCAGCCCCCTGGGGGGGTGCCATCCAGCCTGGC-3'
Protein context (NP_115763.2, residues 583-603): CETDGYLSSS[Gly593Val]FLDASDPALQ